The following is an entry in ClinVar:

ClinVar aggregate classification (germline): Likely benign. Review status: criteria provided, multiple submitters, no conflicts (2 of 4 stars). 2 submissions from 2 submitters: Likely benign (2). Last evaluated 2018-01-13.

Conditions:
Hyperprolinemia type 2 (HYRPRO2). Also called: 1-PYRROLINE-5-CARBOXYLATE DEHYDROGENASE DEFICIENCY; Deficiency of pyrroline-5-carboxylate reductase; Delta-1-pyrroline-5-carboxylate dehydrogenase deficiency. Identifiers: Orphanet 79101, MedGen C2931835, MONDO:0009401, OMIM 239510.

Allele frequency attached by ClinVar (database versions not stated): gnomAD 0.01114 and 0.01203; 1000 Genomes Project 0.01158; 1000 Genomes Project 30x 0.01171; TOPMed 0.01242.

Submissions (2):

Illumina Laboratory Services, Illumina
Classification: Likely benign for Hyperprolinemia type 2. Last evaluated: 2018-01-13. Review status: criteria provided, single submitter. Criteria: ICSL Variant Classification Criteria 13 December 2019. Collection method: clinical testing. Allele origin: germline.
Comment: This variant was observed in the ICSL laboratory as part of a predisposition screen in an ostensibly healthy population. It had not been previously curated by ICSL or reported in the Human Gene Mutation Database (HGMD: prior to June 1st, 2018), and was therefore a candidate for classification through an automated scoring system. Utilizing variant allele frequency, disease prevalence and penetrance estimates, and inheritance mode, an automated score was calculated to assess if this variant is too frequent to cause the disease. Based on the score and internal cut-off values, a variant classified as likely benign is not then subjected to further curation. The score for this variant resulted in a classification of likely benign for this disease.

Breakthrough Genomics
Classification: Likely benign. Review status: criteria provided, single submitter. Criteria: ACMG Guidelines, 2015. Collection method: not provided. Allele origin: germline. Inheritance: Autosomal recessive inheritance. Affected: yes.

NM_003748.4(ALDH4A1):c.*903C>T

Gene: ALDH4A1 (aldehyde dehydrogenase 4 family member A1; minus strand). Cytogenetic location: 1p36.13.
Variant type: single nucleotide variant.
Coding change: c.*903C>T on transcript NM_003748.4 (MANE Select); 903 bases downstream of the stop codon, C replaced by T.
Molecular consequence: 3 prime UTR variant. On other transcripts: intron variant (1).
Genome position (GRCh38, 1-based): chr1:18,871,942, G>A on the plus strand (C>T on the coding strand, the complement: ALDH4A1 is on the minus strand). VCF-style: chr1-18871942-G-A. GRCh37 (hg19) VCF-style: chr1-19198436-G-A.
Other names: c.*903C>T (NM_001161504.2, NM_001319218.2); c.*42-152C>T (NM_170726.3).
Identifiers: ClinVar variation 294343 (VCV000294343.6), dbSNP rs148846466, ClinGen allele CA10609104.